The following is an entry in ClinVar:

ClinVar aggregate classification (germline): Likely benign. Review status: criteria provided, multiple submitters, no conflicts (2 of 4 stars). 2 submissions from 2 submitters: Likely benign (2). Last evaluated 2026-09-02.

Conditions:
SLITRK6-related disorder. Also called: SLITRK6-related condition.

Allele frequency attached by ClinVar (database versions not stated): ExAC 0.00009; TOPMed 0.00009; gnomAD 0.00011; gnomAD exomes 0.00031.

Submissions (2):

PreventionGenetics, part of Exact Sciences
Classification: Likely benign for SLITRK6-related condition. Last evaluated: 2026-09-02. Review status: criteria provided, single submitter. Criteria: ACMG Guidelines, 2015. Collection method: clinical testing. Allele origin: germline.
Comment: This variant is classified as likely benign based on ACMG/AMP sequence variant interpretation guidelines (Richards et al. 2015 PMID: 25741868, with internal and published modifications).

Labcorp Genetics (formerly Invitae), Labcorp
Classification: Likely benign. Last evaluated: 2024-05-17. Review status: criteria provided, single submitter. Criteria: Invitae Variant Classification Sherloc (09022015). Collection method: clinical testing. Allele origin: germline.

NM_032229.3(SLITRK6):c.2523A>G (p.Thr841=)

Gene: SLITRK6 (SLIT and NTRK like family member 6; minus strand). Cytogenetic location: 13q31.1.
Variant type: single nucleotide variant.
Coding change: c.2523A>G on transcript NM_032229.3 (MANE Select); coding-DNA position 2523, A replaced by G.
Protein change: p.Thr841=; no amino-acid change (threonine 841 retained).
Molecular consequence: synonymous variant.
Genome position (GRCh38, 1-based): chr13:85,793,986, T>C on the plus strand (A>G on the coding strand, the complement: SLITRK6 is on the minus strand). VCF-style: chr13-85793986-T-C. GRCh37 (hg19) VCF-style: chr13-86368121-T-C.
Other names: c.2523A>G (NM_032229.2).
Identifiers: ClinVar variation 2421701 (VCV002421701.8), dbSNP rs77044658, ClinGen allele CA7014881.
Genomic context (GRCh38, chr13:85,793,986, plus strand): 5'-AGGTATGGACTTAAAACAGAATCACAGCATTTCTGCGAAAGCCCTCAAACTCTCCATCTA[T>C]GTTTGCTGCTCCAGGACTTCTAAATAGTCAGGTTCAGCATGTAAATTAGCTTTAAGTTCA-3'
Protein context (NP_115605.2, residues 831-841): PDYLEVLEQQ[Thr841=]